The following is an entry in ClinVar:

NM_001374353.1(GLI2):c.857C>T (p.Thr286Ile)

Gene: GLI2 (GLI family zinc finger 2; plus strand). Cytogenetic location: 2q14.2.
Variant type: single nucleotide variant.
Coding change: c.857C>T on transcript NM_001374353.1 (MANE Select); coding-DNA position 857, C replaced by T.
Protein change: p.Thr286Ile; replaces threonine 286 with isoleucine.
Molecular consequence: missense variant.
Genome position (GRCh38, 1-based): chr2:120,970,404, C>T. VCF-style: chr2-120970404-C-T. GRCh37 (hg19) VCF-style: chr2-121727980-C-T.
Other names: c.857C>T, p.Thr286Ile (NM_001371271.1, NM_005270.5); c.482C>T, p.Thr161Ile (NM_001374354.1); short protein forms T161I, T286I.
Identifiers: ClinVar variation 3748517 (VCV003748517.2).

ClinVar aggregate classification (germline): Uncertain significance (1 of 4 stars; one submission).

Conditions:
Postaxial polydactyly-anterior pituitary anomalies-facial dysmorphism syndrome. Also called: Culler-Jones syndrome. Identifiers: Orphanet 420584, MedGen C4014479, MONDO:0014369, OMIM 615849.
Holoprosencephaly 9 (HPE9). Also called: PITUITARY ANOMALIES WITH HOLOPROSENCEPHALY-LIKE FEATURES; HOLOPROSENCEPHALY WITH MICROPHTHALMIA AND FIRST BRANCHIAL ARCH ANOMALIES. Identifiers: Orphanet 2162, MedGen C1835819, MONDO:0012563, OMIM 610829.

Submission:

Labcorp Genetics (formerly Invitae), Labcorp
Classification: Uncertain significance for Postaxial polydactyly-anterior pituitary anomalies-facial dysmorphism syndrome; Holoprosencephaly 9. Last evaluated: 2025-02-17. Review status: criteria provided, single submitter. Criteria: Invitae Variant Classification Sherloc (09022015). Collection method: clinical testing. Allele origin: germline.
Comment: This sequence change replaces threonine, which is neutral and polar, with isoleucine, which is neutral and non-polar, at codon 286 of the GLI2 protein (p.Thr286Ile). This variant is not present in population databases (gnomAD no frequency). This variant has not been reported in the literature in individuals affected with GLI2-related conditions. Invitae Evidence Modeling of protein sequence and biophysical properties (such as structural, functional, and spatial information, amino acid conservation, physicochemical variation, residue mobility, and thermodynamic stability) indicates that this missense variant is expected to disrupt GLI2 protein function with a positive predictive value of 80%. In summary, the available evidence is currently insufficient to determine the role of this variant in disease. Therefore, it has been classified as a Variant of Uncertain Significance.